The following is an entry in ClinVar:

NM_016604.4(KDM3B):c.4573T>A (p.Ser1525Thr)

Gene: KDM3B (lysine demethylase 3B; plus strand). Cytogenetic location: 5q31.2.
Variant type: single nucleotide variant.
Coding change: c.4573T>A on transcript NM_016604.4 (MANE Select); coding-DNA position 4573, T replaced by A.
Protein change: p.Ser1525Thr; replaces serine 1525 with threonine.
Molecular consequence: missense variant.
Genome position (GRCh38, 1-based): chr5:138,427,259, T>A. VCF-style: chr5-138427259-T-A. GRCh37 (hg19) VCF-style: chr5-137762948-T-A.
Other names: short protein forms S1525T.
Identifiers: ClinVar variation 1801146 (VCV001801146.1), dbSNP rs2480323160, ClinGen allele CA361093947.

ClinVar aggregate classification (germline): Uncertain significance (1 of 4 stars; one submission).

Allele frequency attached by ClinVar (database versions not stated): gnomAD exomes below 0.00001.
gnomAD v4.1: 1 of 1,614,164 alleles (0.000062%); highest among the groups gnomAD compares: South Asian, 0.0011%; no homozygotes.

Submission:

GeneDx
Classification: Uncertain significance. Last evaluated: 2022-05-27. Review status: criteria provided, single submitter. Criteria: GeneDx Variant Classification Process June 2021. Collection method: clinical testing. Allele origin: germline. Affected: yes.
Comment: Not observed at significant frequency in large population cohorts (gnomAD); In silico analysis supports that this missense variant has a deleterious effect on protein structure/function; Has not been previously published as pathogenic or benign to our knowledge